The following is an entry in ClinVar:

NM_000444.6(PHEX):c.1142_1143del (p.Arg381fs)

Gene: PHEX (phosphate regulating endopeptidase X-linked; plus strand). Cytogenetic location: Xp22.11.
Variant type: Microsatellite.
Coding change: c.1142_1143del on transcript NM_000444.6 (MANE Select); coding-DNA positions 1142 to 1143, 2 bases deleted (GC; older notation c.1142_1143delGC).
Protein change: p.Arg381fs; shifts the reading frame from arginine 381.
Molecular consequence: frameshift variant.
Genome position (GRCh38, 1-based): chrX:22,111,529-22,111,530, GC deleted; deleting any 2 consecutive bases within chrX:22,111,527-22,111,530 gives the same sequence; the c. name uses the placement nearest the transcript's 3' end. VCF-style (leftmost placement, unchanged base first): chrX-22111526-GGC-G. GRCh37 (hg19) VCF-style: chrX-22129644-GGC-G.
Other names: c.1142_1143del, p.Arg381fs (NM_001282754.2); short protein forms R381fs.
Identifiers: ClinVar variation 2059033 (VCV002059033.4), dbSNP rs2518515672, ClinGen allele CA2580616903.

ClinVar aggregate classification (germline): Pathogenic (1 of 4 stars; one submission).

Submission:

Labcorp Genetics (formerly Invitae), Labcorp
Classification: Pathogenic. Last evaluated: 2022-08-09. Review status: criteria provided, single submitter. Criteria: Invitae Variant Classification Sherloc (09022015). Collection method: clinical testing. Allele origin: germline.
Comment: This sequence change creates a premature translational stop signal (p.Arg381Leufs*4) in the PHEX gene. It is expected to result in an absent or disrupted protein product. Loss-of-function variants in PHEX are known to be pathogenic (PMID: 9097956, 9106524, 19219621). This variant is not present in population databases (gnomAD no frequency). This variant has not been reported in the literature in individuals affected with PHEX-related conditions. Algorithms developed to predict the effect of sequence changes on RNA splicing suggest that this variant may disrupt the consensus splice site. For these reasons, this variant has been classified as Pathogenic.

Literature cited by the submitters: PubMed 9097956; PubMed 9106524; PubMed 19219621.